The following is an entry in ClinVar:

ClinVar aggregate classification (germline): Uncertain significance (1 of 4 stars; one submission).

Conditions:
Familial hemophagocytic lymphohistiocytosis 3 (FHL3). Also called: UNC13D-Related Familial Hemophagocytic Lymphohistiocytosis (UNC13D-fHLH). Identifiers: Orphanet 540, MedGen C1837174, MONDO:0012146, OMIM 608898.

Allele frequency attached by ClinVar (database versions not stated): gnomAD exomes below 0.00001.
gnomAD v4.1: 1 of 1,613,722 alleles (0.000062%); highest among the groups gnomAD compares: South Asian, 0.0011%; no homozygotes.

Submission:

Labcorp Genetics (formerly Invitae), Labcorp
Classification: Uncertain significance for Familial hemophagocytic lymphohistiocytosis 3. Last evaluated: 2022-08-29. Review status: criteria provided, single submitter. Criteria: Invitae Variant Classification Sherloc (09022015). Collection method: clinical testing. Allele origin: germline.
Comment: In summary, the available evidence is currently insufficient to determine the role of this variant in disease. Therefore, it has been classified as a Variant of Uncertain Significance. Algorithms developed to predict the effect of missense changes on protein structure and function are either unavailable or do not agree on the potential impact of this missense change (SIFT: "Not Available"; PolyPhen-2: "Probably Damaging"; Align-GVGD: "Not Available"). This variant has not been reported in the literature in individuals affected with UNC13D-related conditions. This variant is not present in population databases (gnomAD no frequency). This sequence change replaces glycine, which is neutral and non-polar, with serine, which is neutral and polar, at codon 770 of the UNC13D protein (p.Gly770Ser).

NM_199242.3(UNC13D):c.2308G>A (p.Gly770Ser)

Gene: UNC13D (unc-13 homolog D; minus strand). Cytogenetic location: 17q25.1.
Variant type: single nucleotide variant.
Coding change: c.2308G>A on transcript NM_199242.3 (MANE Select); coding-DNA position 2308, G replaced by A.
Protein change: p.Gly770Ser; replaces glycine 770 with serine.
Molecular consequence: missense variant.
Genome position (GRCh38, 1-based): chr17:75,834,134, C>T on the plus strand (G>A on the coding strand, the complement: UNC13D is on the minus strand). VCF-style: chr17-75834134-C-T. GRCh37 (hg19) VCF-style: chr17-73830215-C-T.
Other names: short protein forms G770S.
Identifiers: ClinVar variation 2146142 (VCV002146142.4), dbSNP rs2545979724, ClinGen allele CA401087814.